The following is an entry in ClinVar:

ClinVar aggregate classification (germline): Likely benign. Review status: criteria provided, single submitter (1 of 4 stars). 2 submissions from 2 submitters: Likely benign (1). 1 of the submissions does not count toward it. Last evaluated 2021-01-22.

Conditions:
TNC-related disorder. Also called: TNC-related condition.

Allele frequency attached by ClinVar (database versions not stated): gnomAD 0.00005 and 0.00006; gnomAD exomes 0.00005; ExAC 0.00006; ESP Exome Variant Server 0.00008; TOPMed 0.00009; 1000 Genomes Project 30x 0.00016; 1000 Genomes Project 0.00020.
gnomAD v4.1: 108 of 1,590,344 alleles (0.0068%); highest among the groups gnomAD compares: Middle Eastern, 0.052%; no homozygotes.

Submissions (2):

GeneDx
Classification: Likely benign. Last evaluated: 2021-01-22. Review status: criteria provided, single submitter. Criteria: GeneDx Variant Classification Process June 2021. Collection method: clinical testing. Allele origin: germline. Affected: yes.

PreventionGenetics, part of Exact Sciences
Classification: Likely benign for TNC-related condition. Last evaluated: 2024-08-29. Review status: no assertion criteria provided. Collection method: clinical testing. Allele origin: germline. Not counted in ClinVar's aggregate classification.
Comment: This variant is classified as likely benign based on ACMG/AMP sequence variant interpretation guidelines (Richards et al. 2015 PMID: 25741868, with internal and published modifications).

NM_002160.4(TNC):c.3487+4T>C

Gene: TNC (tenascin C; minus strand). Cytogenetic location: 9q33.1.
Variant type: single nucleotide variant.
Coding change: c.3487+4T>C on transcript NM_002160.4 (MANE Select); 4 bases into the intron after coding-DNA position 3487, T replaced by C.
Molecular consequence: intron variant.
Genome position (GRCh38, 1-based): chr9:115,064,643, A>G on the plus strand (T>C on the coding strand, the complement: TNC is on the minus strand). VCF-style: chr9-115064643-A-G. GRCh37 (hg19) VCF-style: chr9-117826922-A-G.
Other names: c.3487+4T>C (NM_002160.3).
Identifiers: ClinVar variation 1317435 (VCV001317435.4), dbSNP rs180827351, ClinGen allele CA5208223.